The following is an entry in ClinVar:

NM_003737.4(DCHS1):c.2948G>A (p.Arg983Gln)

Gene: DCHS1 (dachsous cadherin-related 1; minus strand). Cytogenetic location: 11p15.4.
Variant type: single nucleotide variant.
Coding change: c.2948G>A on transcript NM_003737.4 (MANE Select); coding-DNA position 2948, G replaced by A.
Protein change: p.Arg983Gln; replaces arginine 983 with glutamine.
Molecular consequence: missense variant.
Genome position (GRCh38, 1-based): chr11:6,632,564, C>T on the plus strand (G>A on the coding strand, the complement: DCHS1 is on the minus strand). VCF-style: chr11-6632564-C-T. GRCh37 (hg19) VCF-style: chr11-6653795-C-T.
Other names: short protein forms R983Q.
Identifiers: ClinVar variation 1308331 (VCV001308331.6), dbSNP rs370374810, ClinGen allele CA5860630.

ClinVar aggregate classification (germline): Uncertain significance. Review status: criteria provided, multiple submitters, no conflicts (2 of 4 stars). 2 submissions from 2 submitters: Uncertain significance (2). Last evaluated 2025-07-23.

Allele frequency attached by ClinVar (database versions not stated): TOPMed 0.00002; gnomAD 0.00003; gnomAD exomes 0.00004; ExAC 0.00008; ESP Exome Variant Server 0.00008.
gnomAD v4.1: 70 of 1,517,732 alleles (0.0046%); highest among the groups gnomAD compares: Non-Finnish European, 0.0054%; no homozygotes.

Submissions (2):

Labcorp Genetics (formerly Invitae), Labcorp
Classification: Uncertain significance. Last evaluated: 2025-07-23. Review status: criteria provided, single submitter. Criteria: Invitae Variant Classification Sherloc (09022015). Collection method: clinical testing. Allele origin: germline.
Comment: This sequence change replaces arginine, which is basic and polar, with glutamine, which is neutral and polar, at codon 983 of the DCHS1 protein (p.Arg983Gln). This variant is present in population databases (rs370374810, gnomAD 0.005%). This variant has not been reported in the literature in individuals affected with DCHS1-related conditions. ClinVar contains an entry for this variant (Variation ID: 1308331). Invitae Evidence Modeling of protein sequence and biophysical properties (such as structural, functional, and spatial information, amino acid conservation, physicochemical variation, residue mobility, and thermodynamic stability) indicates that this missense variant is expected to disrupt DCHS1 protein function with a positive predictive value of 80%. In summary, the available evidence is currently insufficient to determine the role of this variant in disease. Therefore, it has been classified as a Variant of Uncertain Significance.

GeneDx
Classification: Uncertain significance. Last evaluated: 2019-03-28. Review status: criteria provided, single submitter. Criteria: GeneDx Variant Classification Process June 2021. Collection method: clinical testing. Allele origin: germline. Affected: yes.
Comment: In silico analysis, which includes protein predictors and evolutionary conservation, supports that this variant does not alter protein structure/function; Has not been previously published as pathogenic or benign to our knowledge